The following is an entry in ClinVar:

NM_000038.6(APC):c.6176A>T (p.Asp2059Val)

Gene: APC (APC regulator of Wnt signaling pathway; plus strand). Cytogenetic location: 5q22.2.
Variant type: single nucleotide variant.
Coding change: c.6176A>T on transcript NM_000038.6 (MANE Select); coding-DNA position 6176, A replaced by T.
Protein change: p.Asp2059Val; replaces aspartic acid 2059 with valine.
Molecular consequence: missense variant.
Genome position (GRCh38, 1-based): chr5:112,841,770, A>T. VCF-style: chr5-112841770-A-T. GRCh37 (hg19) VCF-style: chr5-112177467-A-T.
Other names: c.6176A>T, p.Asp2059Val (NM_001127510.3, NM_001354895.2); c.6122A>T, p.Asp2041Val (NM_001127511.3); c.6230A>T, p.Asp2077Val (NM_001354896.2); c.6206A>T, p.Asp2069Val (NM_001354897.2); c.6101A>T, p.Asp2034Val (NM_001354898.2); c.6092A>T, p.Asp2031Val (NM_001354899.2); c.6053A>T, p.Asp2018Val (NM_001354900.2); c.5999A>T, p.Asp2000Val (NM_001354901.2); and 5 more; short protein forms D2041V, D2059V, D1958V, D2018V, D1776V, D1899V, D1933V, D1968V.
Identifiers: ClinVar variation 628555 (VCV000628555.7), dbSNP rs775292977, ClinGen allele CA16034856.

ClinVar aggregate classification (germline): Uncertain significance. Review status: criteria provided, multiple submitters, no conflicts (2 of 4 stars). 2 submissions from 2 submitters: Uncertain significance (2). Last evaluated 2023-12-05.

Conditions:
Hereditary cancer-predisposing syndrome. Also called: Neoplastic Syndromes, Hereditary; Tumor predisposition; Hereditary neoplastic syndrome; Hereditary Cancer Syndrome. Identifiers: Orphanet 140162, MedGen C0027672, MeSH D009386, MONDO:0015356.

gnomAD v4.1: 1 of 1,614,100 alleles (0.000062%); highest among the groups gnomAD compares: South Asian, 0.0011%; no homozygotes.

Submissions (2):

Color Diagnostics, LLC DBA Color Health
Classification: Uncertain significance for Hereditary cancer-predisposing syndrome. Last evaluated: 2023-12-05. Review status: criteria provided, single submitter. Criteria: ACMG Guidelines, 2015. Collection method: clinical testing. Allele origin: germline.
Comment: This missense variant replaces aspartic acid with valine at codon 2059 of the APC protein. Computational prediction suggests that this variant may not impact protein structure and function (internally defined REVEL score threshold <= 0.5, PMID: 27666373). To our knowledge, functional studies have not been reported for this variant. This variant has not been reported in individuals affected with APC-related disorders in the literature. This variant has not been identified in the general population by the Genome Aggregation Database (gnomAD). The available evidence is insufficient to determine the role of this variant in disease conclusively. Therefore, this variant is classified as a Variant of Uncertain Significance.

Ambry Genetics
Classification: Uncertain significance for Hereditary cancer-predisposing syndrome. Last evaluated: 2023-01-08. Review status: criteria provided, single submitter. Criteria: Ambry Variant Classification Scheme 2023. Collection method: clinical testing. Allele origin: germline.
Comment: The p.D2059V variant (also known as c.6176A>T), located in coding exon 15 of the APC gene, results from an A to T substitution at nucleotide position 6176. The aspartic acid at codon 2059 is replaced by valine, an amino acid with highly dissimilar properties. This amino acid position is conserved. In addition, in silico predictors for this gene do not accurately predict pathogenicity. Since supporting evidence is limited at this time, the clinical significance of this alteration remains unclear.